The following is an entry in ClinVar:

ClinVar aggregate classification (germline): Conflicting classifications of pathogenicity. Review status: criteria provided, conflicting classifications (1 of 4 stars). 3 submissions from 3 submitters: Uncertain significance (2); Likely benign (1). Last evaluated 2025-12-09.

Conditions:
X-linked distal spinal muscular atrophy type 3. Also called: ATP7A-Related Distal Motor Neuropathy; SPINAL MUSCULAR ATROPHY, DISTAL, X-LINKED RECESSIVE; NEURONOPATHY, DISTAL HEREDITARY MOTOR, X-LINKED; NEUROPATHY, DISTAL HEREDITARY MOTOR, X-LINKED. Identifiers: Orphanet 139557, MedGen C1845359, MONDO:0010338, OMIM 300489.
Menkes kinky-hair syndrome (MNK). Also called: Copper transport disease; Classic Menkes Disease; Menkes Disease. Identifiers: Orphanet 565, MedGen C0022716, MONDO:0010651, OMIM 309400.
Cutis laxa, X-linked (OHS). Also called: EDS IX; Occipital horn syndrome. Identifiers: Orphanet 198, MedGen C0268353, MONDO:0010572, OMIM 304150.

Submissions (3):

Labcorp Genetics (formerly Invitae), Labcorp
Classification: Uncertain significance for X-linked distal spinal muscular atrophy type 3; Cutis laxa, X-linked; Menkes kinky-hair syndrome. Last evaluated: 2025-12-09. Review status: criteria provided, single submitter. Criteria: Invitae Variant Classification Sherloc (09022015). Collection method: clinical testing. Allele origin: germline.
Comment: This sequence change replaces valine, which is neutral and non-polar, with leucine, which is neutral and non-polar, at codon 711 of the ATP7A protein (p.Val711Leu). This variant is not present in population databases (gnomAD no frequency). This variant has not been reported in the literature in individuals affected with ATP7A-related conditions. ClinVar contains an entry for this variant (Variation ID: 254755). Invitae Evidence Modeling of protein sequence and biophysical properties (such as structural, functional, and spatial information, amino acid conservation, physicochemical variation, residue mobility, and thermodynamic stability) indicates that this missense variant is not expected to disrupt ATP7A protein function with a negative predictive value of 95%. In summary, the available evidence is currently insufficient to determine the role of this variant in disease. Therefore, it has been classified as a Variant of Uncertain Significance.

GeneDx
Classification: Uncertain significance. Last evaluated: 2021-04-06. Review status: criteria provided, single submitter. Criteria: GeneDx Variant Classification Process June 2021. Collection method: clinical testing. Allele origin: germline. Affected: yes.
Comment: Has not been previously published as pathogenic or benign to our knowledge; Not observed in large population cohorts (Lek et al., 2016); In silico analysis supports that this missense variant does not alter protein structure/function; Reported in ClinVar (ClinVar Variant ID# 254755; Landrum et al., 2016)

PreventionGenetics, part of Exact Sciences
Classification: Likely benign. Review status: criteria provided, single submitter. Criteria: ACMG Guidelines, 2015. Collection method: clinical testing. Allele origin: germline.

NM_000052.7(ATP7A):c.2131G>C (p.Val711Leu)

Gene: ATP7A (ATPase copper transporting alpha; plus strand). Cytogenetic location: Xq21.1.
Variant type: single nucleotide variant.
Coding change: c.2131G>C on transcript NM_000052.7 (MANE Select); coding-DNA position 2131, G replaced by C.
Protein change: p.Val711Leu; replaces valine 711 with leucine.
Molecular consequence: missense variant.
Genome position (GRCh38, 1-based): chrX:78,011,633, G>C. VCF-style: chrX-78011633-G-C. GRCh37 (hg19) VCF-style: chrX-77267130-G-C.
Other names: c.2131G>C, p.Val711Leu (NM_001282224.2); short protein forms V711L.
Identifiers: ClinVar variation 254755 (VCV000254755.5), dbSNP rs782268170, ClinGen allele CA10587403.